The following is an entry in ClinVar:

ClinVar aggregate classification (germline): Uncertain significance. Review status: criteria provided, multiple submitters, no conflicts (2 of 4 stars). 3 submissions from 3 submitters: Uncertain significance (3). Last evaluated 2024-10-16.

Conditions:
Arrhythmogenic right ventricular dysplasia 9 (ARVD9). Also called: Arrhythmogenic Right Ventricular Dysplasia/Cardiomyopathy 9; ARRHYTHMOGENIC RIGHT VENTRICULAR DYSPLASIA, FAMILIAL, 9. Identifiers: MedGen C1836906, MONDO:0012180, OMIM 609040.
Cardiovascular phenotype. Identifiers: MedGen CN230736.

gnomAD v4.1: 3 of 1,550,794 alleles (0.00019%); highest among the groups gnomAD compares: Middle Eastern, 0.021%; no homozygotes.

Submissions (3):

Blueprint Genetics
Classification: Uncertain significance. Last evaluated: 2024-10-16. Review status: criteria provided, single submitter. Criteria: ACMG Guidelines, 2015. Collection method: clinical testing. Allele origin: germline.

Ambry Genetics
Classification: Uncertain significance for Cardiovascular phenotype. Last evaluated: 2021-10-29. Review status: criteria provided, single submitter. Criteria: Ambry Variant Classification Scheme 2023. Collection method: clinical testing. Allele origin: germline.
Comment: The p.R69L variant (also known as c.206G>T), located in coding exon 1 of the PKP2 gene, results from a G to T substitution at nucleotide position 206. The arginine at codon 69 is replaced by leucine, an amino acid with dissimilar properties. This amino acid position is conserved. In addition, this alteration is predicted to be tolerated by in silico analysis. Since supporting evidence is limited at this time, the clinical significance of this alteration remains unclear.

Labcorp Genetics (formerly Invitae), Labcorp
Classification: Uncertain significance for Arrhythmogenic right ventricular dysplasia 9. Last evaluated: 2018-12-13. Review status: criteria provided, single submitter. Criteria: Invitae Variant Classification Sherloc (09022015). Collection method: clinical testing. Allele origin: germline.
Comment: This sequence change replaces arginine with leucine at codon 69 of the PKP2 protein (p.Arg69Leu). The arginine residue is highly conserved and there is a moderate physicochemical difference between arginine and leucine. This variant is not present in population databases (ExAC no frequency). This variant has not been reported in the literature in individuals with PKP2-related disease. Algorithms developed to predict the effect of missense changes on protein structure and function do not agree on the potential impact of this missense change (SIFT: "Deleterious"; PolyPhen-2: "Benign"; Align-GVGD: "Class C15"). In summary, the available evidence is currently insufficient to determine the role of this variant in disease. Therefore, it has been classified as a Variant of Uncertain Significance.

NM_001005242.3(PKP2):c.206G>T (p.Arg69Leu)

Gene: PKP2 (plakophilin 2; minus strand). Cytogenetic location: 12p11.21.
Variant type: single nucleotide variant.
Coding change: c.206G>T on transcript NM_001005242.3 (MANE Select); coding-DNA position 206, G replaced by T.
Protein change: p.Arg69Leu; replaces arginine 69 with leucine.
Molecular consequence: missense variant.
Genome position (GRCh38, 1-based): chr12:32,896,526, C>A on the plus strand (G>T on the coding strand, the complement: PKP2 is on the minus strand). VCF-style: chr12-32896526-C-A. GRCh37 (hg19) VCF-style: chr12-33049460-C-A.
Other names: c.206G>T, p.Arg69Leu (NM_004572.4); short protein forms R69L.
Identifiers: ClinVar variation 569942 (VCV000569942.12), dbSNP rs1388260138, ClinGen allele CA384370509.